The following is an entry in ClinVar:

NM_001360.3(DHCR7):c.626+2del

Gene: DHCR7 (7-dehydrocholesterol reductase; minus strand). Cytogenetic location: 11q13.4.
Variant type: Deletion.
Coding change: c.626+2del on transcript NM_001360.3 (MANE Select); the canonical splice donor site of the intron after coding-DNA position 626, one base deleted (T; older notation c.626+2delT).
Molecular consequence: splice donor variant.
Genome position (GRCh38, 1-based): chr11:71,441,225, A deleted on the plus strand (T on the coding strand, the reverse complement: DHCR7 is on the minus strand). VCF-style (leftmost placement, unchanged base first): chr11-71441224-TA-T. GRCh37 (hg19) VCF-style: chr11-71152270-TA-T.
Other names: c.626+2del (NM_001163817.2).
Identifiers: ClinVar variation 2027738 (VCV002027738.4), dbSNP rs2539227294, ClinGen allele CA2580084852.

ClinVar aggregate classification (germline): Likely pathogenic (1 of 4 stars; one submission).

Conditions:
Smith-Lemli-Opitz syndrome (SLOS). Also called: LETHAL ACRODYSGENITAL SYNDROME; POLYDACTYLY, SEX REVERSAL, RENAL HYPOPLASIA, AND UNILOBAR LUNG; RSH SYNDROME; RUTLEDGE LETHAL MULTIPLE CONGENITAL ANOMALY SYNDROME; 7-Dehydrocholesterol reductase deficiency. Identifiers: Orphanet 818, MedGen C0175694, MONDO:0010035, OMIM 270400.

Submission:

Labcorp Genetics (formerly Invitae), Labcorp
Classification: Likely pathogenic for Smith-Lemli-Opitz syndrome. Last evaluated: 2022-09-14. Review status: criteria provided, single submitter. Criteria: Invitae Variant Classification Sherloc (09022015). Collection method: clinical testing. Allele origin: germline.
Comment: This variant is not present in population databases (gnomAD no frequency). This variant has not been reported in the literature in individuals affected with DHCR7-related conditions. In summary, the currently available evidence indicates that the variant is pathogenic, but additional data are needed to prove that conclusively. Therefore, this variant has been classified as Likely Pathogenic. Algorithms developed to predict the effect of sequence changes on RNA splicing suggest that this variant may disrupt the consensus splice site. This sequence change affects a splice site in intron 6 of the DHCR7 gene. It is expected to disrupt RNA splicing. Variants that disrupt the donor or acceptor splice site typically lead to a loss of protein function (PMID: 16199547), and loss-of-function variants in DHCR7 are known to be pathogenic (PMID: 9634533, 10677299).

Literature cited by the submitters: PubMed 16199547; PubMed 9634533; PubMed 10677299.